The following is an entry in ClinVar:

NM_001415.4(EIF2S3):c.1111T>C (p.Leu371=)

Gene: EIF2S3 (eukaryotic translation initiation factor 2 subunit gamma; plus strand). Cytogenetic location: Xp22.11.
Variant type: single nucleotide variant.
Coding change: c.1111T>C on transcript NM_001415.4 (MANE Select); coding-DNA position 1111, T replaced by C.
Protein change: p.Leu371=; no amino-acid change (leucine 371 retained).
Molecular consequence: synonymous variant.
Genome position (GRCh38, 1-based): chrX:24,071,656, T>C. VCF-style: chrX-24071656-T-C. GRCh37 (hg19) VCF-style: chrX-24089773-T-C.
Identifiers: ClinVar variation 3026596 (VCV003026596.22), dbSNP rs751138938, ClinGen allele CA515453431.

ClinVar aggregate classification (germline): Likely benign (1 of 4 stars; one submission).

Allele frequency attached by ClinVar (database versions not stated): gnomAD exomes below 0.00001; TOPMed 0.00001.
gnomAD v4.1: 2 of 1,211,204 alleles (0.00017%); highest among the groups gnomAD compares: Non-Finnish European, 0.00022%; no homozygotes.

Submission:

CeGaT Center for Human Genetics Tuebingen
Classification: Likely benign. Last evaluated: 2023-12-01. Review status: criteria provided, single submitter. Criteria: CeGaT Center For Human Genetics Tuebingen Variant Classification Criteria Version 2. Collection method: clinical testing. Allele origin: germline. Affected: yes. Observed: 1 variant allele.
Comment: EIF2S3: PM2:Supporting, BP4, BP7